The following is an entry in ClinVar:

NM_003200.5(TCF3):c.1646A>G (p.Glu549Gly)

Gene: TCF3 (transcription factor 3; minus strand). Cytogenetic location: 19p13.3.
Variant type: single nucleotide variant.
Coding change: c.1646A>G on transcript NM_003200.5 (MANE Select); coding-DNA position 1646, A replaced by G.
Protein change: p.Glu549Gly; replaces glutamic acid 549 with glycine.
Molecular consequence: missense variant. On other transcripts: intron variant (2).
Genome position (GRCh38, 1-based): chr19:1,615,461, T>C on the plus strand (A>G on the coding strand, the complement: TCF3 is on the minus strand). VCF-style: chr19-1615461-T-C. GRCh37 (hg19) VCF-style: chr19-1615460-T-C.
Other names: c.1643A>G, p.Glu548Gly (NM_001351778.2); c.1586+225A>G (NM_001136139.4, NM_001351779.2); short protein forms E548G, E549G.
Identifiers: ClinVar variation 1368626 (VCV001368626.6), dbSNP rs2145854073, ClinGen allele CA403050773.

ClinVar aggregate classification (germline): Uncertain significance (1 of 4 stars; one submission).

Submission:

Labcorp Genetics (formerly Invitae), Labcorp
Classification: Uncertain significance. Last evaluated: 2021-02-26. Review status: criteria provided, single submitter. Criteria: Invitae Variant Classification Sherloc (09022015). Collection method: clinical testing. Allele origin: germline.
Comment: This sequence change replaces glutamic acid with glycine at codon 549 of the TCF3 protein (p.Glu549Gly). The glutamic acid residue is highly conserved and there is a moderate physicochemical difference between glutamic acid and glycine. This variant is not present in population databases (ExAC no frequency). This variant has not been reported in the literature in individuals with TCF3-related conditions. Experimental studies and prediction algorithms are not available or were not evaluated, and the functional significance of this variant is currently unknown. In summary, the available evidence is currently insufficient to determine the role of this variant in disease. Therefore, it has been classified as a Variant of Uncertain Significance.